The following is an entry in ClinVar:

ClinVar aggregate classification (germline): Uncertain significance. Review status: criteria provided, multiple submitters, no conflicts (2 of 4 stars). 2 submissions from 2 submitters: Uncertain significance (2). Last evaluated 2022-02-02.

Conditions:
Inborn genetic diseases. Identifiers: MedGen C0950123, MeSH D030342.

Submissions (2):

Labcorp Genetics (formerly Invitae), Labcorp
Classification: Uncertain significance. Last evaluated: 2022-02-02. Review status: criteria provided, single submitter. Criteria: Invitae Variant Classification Sherloc (09022015). Collection method: clinical testing. Allele origin: germline.
Comment: This sequence change replaces alanine, which is neutral and non-polar, with glycine, which is neutral and non-polar, at codon 37 of the TNFSF11 protein (p.Ala37Gly). This variant is not present in population databases (gnomAD no frequency). This variant has not been reported in the literature in individuals affected with TNFSF11-related conditions. ClinVar contains an entry for this variant (Variation ID: 1023946). Algorithms developed to predict the effect of missense changes on protein structure and function (SIFT, PolyPhen-2, Align-GVGD) all suggest that this variant is likely to be tolerated. In summary, the available evidence is currently insufficient to determine the role of this variant in disease. Therefore, it has been classified as a Variant of Uncertain Significance.

Ambry Genetics
Classification: Uncertain significance for Inborn genetic diseases. Last evaluated: 2021-09-16. Review status: criteria provided, single submitter. Criteria: Ambry Variant Classification Scheme 2023. Collection method: clinical testing. Allele origin: germline.

NM_003701.4(TNFSF11):c.110C>G (p.Ala37Gly)

Genes: TNFSF11 (TNF superfamily member 11; plus strand), LOC130009662 (ATAC-STARR-seq lymphoblastoid silent region 5301; plus strand). Cytogenetic location: 13q14.11.
Variant type: single nucleotide variant.
Coding change: c.110C>G on transcript NM_003701.4 (MANE Select); coding-DNA position 110, C replaced by G.
Protein change: p.Ala37Gly; replaces alanine 37 with glycine.
Molecular consequence: missense variant. On other transcripts: intron variant (1).
Genome position (GRCh38, 1-based): chr13:42,574,413, C>G. VCF-style: chr13-42574413-C-G. GRCh37 (hg19) VCF-style: chr13-43148549-C-G.
Other names: c.-1+2675C>G (NM_033012.4); c.110C>G (NM_003701.3); short protein forms A37G.
Identifiers: ClinVar variation 1023946 (VCV001023946.7), dbSNP rs1238517413, ClinGen allele CA388215040.